The following is an entry in ClinVar:

NM_000051.4(ATM):c.8151+1G>A

Genes: ATM (ATM serine/threonine kinase; plus strand), C11orf65 (chromosome 11 open reading frame 65; minus strand). Cytogenetic location: 11q22.3.
Variant type: single nucleotide variant.
Coding change: c.8151+1G>A on transcript NM_000051.4 (MANE Select); the canonical splice donor site of the intron after coding-DNA position 8151, G replaced by A.
Molecular consequence: splice donor variant. On other transcripts: intron variant (2).
Genome position (GRCh38, 1-based): chr11:108,335,110, G>A. VCF-style: chr11-108335110-G-A. GRCh37 (hg19) VCF-style: chr11-108205837-G-A.
Other names: c.8151+1G>A (NM_001351834.2); c.641-26039C>T (NM_001330368.2); c.*38+110C>T (NM_001351110.2).
Identifiers: ClinVar variation 1066285 (VCV001066285.13), dbSNP rs1591192583, ClinGen allele CA382562272.

ClinVar aggregate classification (germline): Pathogenic/Likely pathogenic. Review status: criteria provided, multiple submitters, no conflicts (2 of 4 stars). 4 submissions from 4 submitters: Pathogenic (1); Likely pathogenic (3). Last evaluated 2026-08-31.

Conditions:
Hereditary cancer-predisposing syndrome. Also called: Neoplastic Syndromes, Hereditary; Tumor predisposition; Hereditary Cancer Syndrome; Hereditary neoplastic syndrome. Identifiers: Orphanet 140162, MedGen C0027672, MeSH D009386, MONDO:0015356.
Familial cancer of breast. Also called: Hereditary breast cancer; hereditary breast carcinoma; BREAST CANCER, FAMILIAL. Identifiers: Orphanet 227535, MedGen C0346153, MONDO:0016419, OMIM 114480. Disease mechanism: loss of function.
Ataxia-telangiectasia syndrome (AT). Also called: Ataxia telangiectasia (A-T); ATAXIA-TELANGIECTASIA, COMPLEMENTATION GROUP A; ATAXIA-TELANGIECTASIA, FRESNO VARIANT; Ataxia-telangiectasia; Ataxia-telangiectasia, complementation group E; LOUIS-BAR SYNDROME. Identifiers: Orphanet 100, MedGen C0004135, MONDO:0008840, OMIM 208900.

Allele frequency attached by ClinVar (database versions not stated): gnomAD exomes below 0.00001.
gnomAD v4.1: 1 of 1,614,010 alleles (0.000062%); no homozygotes.

Submissions (4):

Ambry Genetics
Classification: Likely pathogenic for Hereditary cancer-predisposing syndrome. Last evaluated: 2026-08-31. Review status: criteria provided, single submitter. Criteria: Ambry Variant Classification Scheme 2023. Collection method: clinical testing. Allele origin: germline.
Comment: The c.8151+1G>A intronic variant results from a G to A substitution one nucleotide after coding exon 54 of the ATM gene. Alterations that disrupt the canonical splice site are expected to result in aberrant splicing. In silico splice site analysis predicts that this alteration will weaken the native splice donor site; however, direct evidence is insufficient at this time (Ambry internal data). The resulting transcript is predicted to be in-frame and is not expected to trigger nonsense-mediated mRNAdecay; however, direct evidence is unavailable. The exact functional effect of the altered amino acid sequence is unknown; however, the impacted region is critical for protein function (Ambry internal data). In an assay testing ATM function, this variant showed a functionally abnormal result (Lee KS et al. Cell, 2025 Sep;188:5081-5099.e27). This variant was identified in an individual with early onset cerebellar ataxia who also carries ATM p.F2686L (c.8056T>C); however, phase was not described (Shakya S et al. Clin Genet, 2019 Dec;96:566-574). This variant is considered to be rare based on population cohorts in the Genome Aggregation Database (gnomAD). This nucleotide position is highly conserved in available vertebrate species. Based on the majority of available evidence to date, this variant is likely to be pathogenic.

Color Diagnostics, LLC DBA Color Health
Classification: Likely pathogenic for Hereditary cancer-predisposing syndrome. Last evaluated: 2025-04-21. Review status: criteria provided, single submitter. Criteria: ACMG Guidelines, 2015. Collection method: clinical testing. Allele origin: germline.
Comment: This variant causes a G to A nucleotide substitution at the +1 position of intron 55 of the ATM gene. Splice site prediction tools predict that this variant may have a significant impact on RNA splicing. This variant is likely to cause in-frame skipping of exon 55 in the FATKIN domain. This variant has been reported in an individual affected with cerebellar ataxia in compound heterozygosity with p.Phe2686Leu (PMID: 31429931). This variant has not been identified in the general population by the Genome Aggregation Database (gnomAD). Based on the available evidence, this variant is classified as Likely Pathogenic.

Myriad Genetics, Inc.
Classification: Likely pathogenic for Familial cancer of breast. Last evaluated: 2024-02-01. Review status: criteria provided, single submitter. Criteria: Myriad Autosomal Dominant, Autosomal Recessive and X-Linked Classification Criteria (2023). Collection method: clinical testing. Allele origin: unknown.
Comment: This variant is considered likely pathogenic. This variant occurs within a consensus splice junction and is predicted to result in abnormal mRNA splicing of either an out-of-frame exon or an in-frame exon necessary for protein stability and/or normal function.

Labcorp Genetics (formerly Invitae), Labcorp
Classification: Pathogenic for Ataxia-telangiectasia syndrome. Last evaluated: 2022-10-28. Review status: criteria provided, single submitter. Criteria: Invitae Variant Classification Sherloc (09022015). Collection method: clinical testing. Allele origin: germline.
Comment: ClinVar contains an entry for this variant (Variation ID: 1066285). For these reasons, this variant has been classified as Pathogenic. This variant disrupts a region of the ATM protein in which other variant(s) (p.Asp2708Asn) have been determined to be pathogenic (PMID: 16941484, 21665257, 22071889, 23632773). This suggests that this is a clinically significant region of the protein, and that variants that disrupt it are likely to be disease-causing. Studies have shown that disruption of this splice site results in skipping of exon 55, but is expected to preserve the integrity of the reading-frame (Invitae). Disruption of this splice site has been observed in individual(s) with clinical features of ataxia telangiectasia (PMID: 31429931). This variant is not present in population databases (gnomAD no frequency). This sequence change affects a donor splice site in intron 55 of the ATM gene. RNA analysis indicates that disruption of this splice site induces altered splicing and likely results in a shortened protein product.

Literature cited by the submitters: PubMed 31429931 (cited by 3 submitters); PubMed 40580951 (cited by Ambry Genetics); PubMed 16941484 (cited by Labcorp Genetics (formerly Invitae), Labcorp); PubMed 21665257 (cited by Labcorp Genetics (formerly Invitae), Labcorp); PubMed 22071889 (cited by Labcorp Genetics (formerly Invitae), Labcorp); PubMed 23632773 (cited by Labcorp Genetics (formerly Invitae), Labcorp).